The following is an entry in ClinVar:

NM_032581.4(HYCC1):c.*798C>G

Gene: HYCC1 (hyccin PI4KA lipid kinase complex subunit 1; minus strand). Cytogenetic location: 7p15.3.
Variant type: single nucleotide variant.
Coding change: c.*798C>G on transcript NM_032581.4 (MANE Select); 798 bases downstream of the stop codon, C replaced by G.
Molecular consequence: 3 prime UTR variant.
Genome position (GRCh38, 1-based): chr7:22,944,791, G>C on the plus strand (C>G on the coding strand, the complement: HYCC1 is on the minus strand). VCF-style: chr7-22944791-G-C. GRCh37 (hg19) VCF-style: chr7-22984410-G-C.
Other names: c.*1400C>G (NM_001363466.2); c.*1358C>G (NM_001363467.2).
Identifiers: ClinVar variation 910021 (VCV000910021.4), dbSNP rs145859643, ClinGen allele CA15508908.

ClinVar aggregate classification (germline): Likely benign (1 of 4 stars; one submission).

Conditions:
Hypomyelination and Congenital Cataract (HLD5). Also called: hypomyelinating leukodystrophy 5. Identifiers: Orphanet 85163, MedGen C1864663, MONDO:0012514, OMIM 610532.

Allele frequency attached by ClinVar (database versions not stated): TOPMed 0.00027; gnomAD 0.00029 and 0.00059; 1000 Genomes Project 30x 0.00297; 1000 Genomes Project 0.00319.

Submission:

Illumina Laboratory Services, Illumina
Classification: Likely benign for Hypomyelination and Congenital Cataract. Last evaluated: 2018-01-12. Review status: criteria provided, single submitter. Criteria: ICSL Variant Classification Criteria 13 December 2019. Collection method: clinical testing. Allele origin: germline.
Comment: This variant was observed in the ICSL laboratory as part of a predisposition screen in an ostensibly healthy population. It had not been previously curated by ICSL or reported in the Human Gene Mutation Database (HGMD: prior to June 1st, 2018), and was therefore a candidate for classification through an automated scoring system. Utilizing variant allele frequency, disease prevalence and penetrance estimates, and inheritance mode, an automated score was calculated to assess if this variant is too frequent to cause the disease. Based on the score and internal cut-off values, a variant classified as likely benign is not then subjected to further curation. The score for this variant resulted in a classification of likely benign for this disease.